The following is an entry in ClinVar:

ClinVar aggregate classification (germline): Pathogenic (1 of 4 stars; one submission).

Conditions:
Developmental delay with or without dysmorphic facies and autism. Identifiers: MedGen C5193106, MONDO:0032760, OMIM 618454.

Submission:

Institute for Genomic Statistics and Bioinformatics, University Hospital Bonn
Classification: Pathogenic for Developmental delay with or without dysmorphic facies and autism. Last evaluated: 2020-03-16. Review status: criteria provided, single submitter. Criteria: ACMG Guidelines, 2015. Collection method: clinical testing. Allele origin: de novo. Inheritance: Autosomal dominant inheritance. Affected: yes. Observed: 1 heterozygote.
Comment: The missense variant c.3128C>T leads to an exchange of the highly conserved amino acid alanine to valine at position 1043 of the TRRAP protein. Bioinformatic prediction by MutationTaster, FATHMM-MKL, LTR, and UMD Predictor classify this variant as pathogenic, the CADD score of 18.45. Using PEDIA (prioritization of ex- ome data by image analysis)1 TRRAP was prioritized on position 94 (due to low CADD score and not gestalt match). Based on ACMG / AMP criteria the variant is classified as likely pathogenic. TRRAP encodes the scaffolding subunit transformation/transcription domain-associated protein that plays an important role in acetylation of the lysine residues in histones and other DNA-binding proteins and this in gene expression. SWI/SNF complexes regulate gene activity by chromatin remodeling. De novo mutation in TRRAP have been recently published in an autosomal dominant inherited form of developmental delay with or without dysmorphic facies (MIM #618454). Developmental delay with or without dysmorphic facies and autism (DEDDFA) is a complex neurodevelopmental disorder apparent from infancy or early childhood and associated with variably impaired intellectual development. Some patients may be severely affected with no speech and inability to walk, whereas others may be able to attend special schools or have normal intellectual function associated with autism spectrum disorder and mild speech delay. Genetic analysis has suggested that the phenotype can be broadly categorized into 2 main groups. Individuals with TRRAP mutations affecting residues 1031-1159 have a more severe disorder, often with multi-system involvement, including renal, cardiac, and genitourinary systems, as well as structural brain abnormalities. Affected individuals usually have somewhat similar dysmorphic facial features, such as upslanting palpebral fissures, hypertelorism, low-set ears, and broad or depressed nasal bridge, although these features are highly variable. Cogne et al. described one affected individual (individual 10) with a de novo variant p.A1043T that shows a high facial similarity to our patient.

NM_001375524.1(TRRAP):c.3128C>T (p.Ala1043Val)

Gene: TRRAP (transformation/transcription domain associated protein; plus strand). Cytogenetic location: 7q22.1.
Variant type: single nucleotide variant.
Coding change: c.3128C>T on transcript NM_001375524.1 (MANE Select); coding-DNA position 3128, C replaced by T.
Protein change: p.Ala1043Val; replaces alanine 1043 with valine.
Molecular consequence: missense variant.
Genome position (GRCh38, 1-based): chr7:98,927,319, C>T. VCF-style: chr7-98927319-C-T. GRCh37 (hg19) VCF-style: chr7-98524942-C-T.
Other names: c.3128C>T, p.Ala1043Val (NM_001244580.2, NM_003496.4); short protein forms A1043V.
Identifiers: ClinVar variation 870465 (VCV000870465.5), dbSNP rs1790093579, ClinGen allele CA368297530.